The following is an entry in ClinVar:

ClinVar aggregate classification (germline): Conflicting classifications of pathogenicity. Review status: criteria provided, conflicting classifications (1 of 4 stars). 6 submissions from 6 submitters: Uncertain significance (1); Likely benign (4). 1 of the submissions does not count toward it. Last evaluated 2026-01-21.

Conditions:
ARID1B-Related Disorder. Identifiers: MedGen CN381337.
Inborn genetic diseases. Identifiers: MedGen C0950123, MeSH D030342.
Coffin-Siris syndrome 1 (CSS1). Also called: ARID1B-Related Coffin-Siris Syndrome; Mental retardation, autosomal dominant 12. Identifiers: Orphanet 1465, MedGen C3281201, MONDO:0007617, OMIM 135900. Disease mechanism: gain of function.

Submissions (6):

Labcorp Genetics (formerly Invitae), Labcorp
Classification: Likely benign. Last evaluated: 2026-01-21. Review status: criteria provided, single submitter. Criteria: Invitae Variant Classification Sherloc (09022015). Collection method: clinical testing. Allele origin: germline.

Blueprint Genetics
Classification: Likely benign. Last evaluated: 2024-07-23. Review status: criteria provided, single submitter. Criteria: ACMG Guidelines, 2015. Collection method: clinical testing. Allele origin: germline.

Ambry Genetics
Classification: Likely benign for Inborn genetic diseases. Last evaluated: 2024-01-24. Review status: criteria provided, single submitter. Criteria: Ambry Variant Classification Scheme 2023. Collection method: clinical testing. Allele origin: germline.

GeneDx
Classification: Likely benign. Last evaluated: 2022-04-19. Review status: criteria provided, single submitter. Criteria: GeneDx Variant Classification Process June 2021. Collection method: clinical testing. Allele origin: germline. Affected: yes.
Comment: See Variant Classification Assertion Criteria.

Genome-Nilou Lab
Classification: Uncertain significance for Coffin-Siris syndrome 1. Last evaluated: 2021-07-15. Review status: criteria provided, single submitter. Criteria: ACMG Guidelines, 2015. Collection method: clinical testing. Allele origin: germline. Affected: no.

PreventionGenetics, part of Exact Sciences
Classification: Likely benign for ARID1B-related condition. Last evaluated: 2024-05-01. Review status: no assertion criteria provided. Collection method: clinical testing. Allele origin: germline. Not counted in ClinVar's aggregate classification.
Comment: This variant is classified as likely benign based on ACMG/AMP sequence variant interpretation guidelines (Richards et al. 2015 PMID: 25741868, with internal and published modifications).

NM_001374828.1(ARID1B):c.1278_1292del (p.Ala429_Ala433del)

Gene: ARID1B (AT-rich interaction domain 1B; plus strand). Cytogenetic location: 6q25.3.
Variant type: Deletion.
Coding change: c.1278_1292del on transcript NM_001374828.1 (MANE Select); coding-DNA positions 1278 to 1292, 15 bases deleted (CGCGGCGGCGGCGGC).
Protein change: p.Ala429_Ala433del.
Molecular consequence: inframe deletion.
Genome position (GRCh38, 1-based): chr6:156,778,958-156,778,972, CGCGGCGGCGGCGGC deleted; deleting any 15 consecutive bases within chr6:156,778,946-156,778,972 gives the same sequence; the c. name uses the placement nearest the transcript's 3' end. VCF-style (leftmost placement, unchanged base first): chr6-156778945-TGGCGGCGGCGGCCGC-T. GRCh37 (hg19) VCF-style: chr6-157100079-TGGCGGCGGCGGCCGC-T.
Other names: c.1029_1043del, p.Ala346_Ala350del (NM_020732.3); c.1029_1043del15 (NM_020732.3); c.1278_1292del, p.Ala429_Ala433del (NM_001371656.1, NM_001374820.1, NM_017519.3).
Identifiers: ClinVar variation 506613 (VCV000506613.19), dbSNP rs775733700, ClinGen allele CA4066727.